The following is an entry in ClinVar:

ClinVar aggregate classification (germline): Uncertain significance (1 of 4 stars; one submission).

Submission:

GeneDx
Classification: Uncertain significance. Last evaluated: 2025-07-23. Review status: criteria provided, single submitter. Criteria: GeneDx Variant Classification Process June 2021. Collection method: clinical testing. Allele origin: germline. Affected: yes.
Comment: Has not been previously published as pathogenic or benign to our knowledge; Not observed at significant frequency in large population cohorts (gnomAD); In silico analysis supports that this missense variant has a deleterious effect on protein structure/function

NM_001257291.2(SLC9A7):c.443G>C (p.Gly148Ala)

Gene: SLC9A7 (solute carrier family 9 member A7; minus strand). Cytogenetic location: Xp11.3.
Variant type: single nucleotide variant.
Coding change: c.443G>C on transcript NM_001257291.2 (MANE Select); coding-DNA position 443, G replaced by C.
Protein change: p.Gly148Ala; replaces glycine 148 with alanine.
Molecular consequence: missense variant.
Genome position (GRCh38, 1-based): chrX:46,682,418, C>G on the plus strand (G>C on the coding strand, the complement: SLC9A7 is on the minus strand). VCF-style: chrX-46682418-C-G. GRCh37 (hg19) VCF-style: chrX-46541853-C-G.
Other names: c.443G>C, p.Gly148Ala (NM_032591.3); short protein forms G148A.
Identifiers: ClinVar variation 4687066 (VCV004687066.1).